The following is an entry in ClinVar:

NM_000493.4(COL10A1):c.682C>T (p.Pro228Ser)

Genes: COL10A1 (collagen type X alpha 1 chain; minus strand), NT5DC1 (5'-nucleotidase domain containing 1; plus strand). Cytogenetic location: 6q22.1.
Variant type: single nucleotide variant.
Coding change: c.682C>T on transcript NM_000493.4 (MANE Select); coding-DNA position 682, C replaced by T.
Protein change: p.Pro228Ser; replaces proline 228 with serine.
Molecular consequence: missense variant. On other transcripts: intron variant (1).
Genome position (GRCh38, 1-based): chr6:116,121,434, G>A on the plus strand (C>T on the coding strand, the complement: COL10A1 is on the minus strand). VCF-style: chr6-116121434-G-A. GRCh37 (hg19) VCF-style: chr6-116442597-G-A.
Other names: c.682C>T, p.Pro228Ser (NM_001424106.1, NM_001424107.1); c.529+3489G>A (NM_152729.3); short protein forms P228S.
Identifiers: ClinVar variation 1416276 (VCV001416276.9), dbSNP rs749457223, ClinGen allele CA3968343.
Genomic context (GRCh38, chr6:116,121,434, plus strand): 5'-GGCCAATTGGTCCCATTTCTCCCGGAAAACCTCTATCACCTTTGATGCCTGGCTGTCCTG[G>A]AACCCCATTTTCACCTCTTTTTCCCACTCCAGGAGGGCCAGATGGTCCTGTGGGACCCTG-3'
Protein context (NP_000484.2, residues 218-238): GVGKRGENGV[Pro228Ser]GQPGIKGDRG

ClinVar aggregate classification (germline): Uncertain significance. Review status: criteria provided, multiple submitters, no conflicts (2 of 4 stars). 2 submissions from 2 submitters: Uncertain significance (2). Last evaluated 2024-06-19.

Conditions:
Inborn genetic diseases. Identifiers: MedGen C0950123, MeSH D030342.

Allele frequency attached by ClinVar (database versions not stated): gnomAD 0.00001; ExAC 0.00003; gnomAD exomes 0.00003 and 0.00006; TOPMed 0.00003.
gnomAD v4.1: 17 of 1,613,970 alleles (0.0011%); highest among the groups gnomAD compares: Admixed American, 0.028%; no homozygotes.

Submissions (2):

Labcorp Genetics (formerly Invitae), Labcorp
Classification: Uncertain significance. Last evaluated: 2024-06-19. Review status: criteria provided, single submitter. Criteria: Invitae Variant Classification Sherloc (09022015). Collection method: clinical testing. Allele origin: germline.
Comment: This sequence change replaces proline, which is neutral and non-polar, with serine, which is neutral and polar, at codon 228 of the COL10A1 protein (p.Pro228Ser). This variant is present in population databases (rs749457223, gnomAD 0.04%). This variant has not been reported in the literature in individuals affected with COL10A1-related conditions. ClinVar contains an entry for this variant (Variation ID: 1416276). Advanced modeling of protein sequence and biophysical properties (such as structural, functional, and spatial information, amino acid conservation, physicochemical variation, residue mobility, and thermodynamic stability) performed at Invitae indicates that this missense variant is not expected to disrupt COL10A1 protein function with a negative predictive value of 80%. In summary, the available evidence is currently insufficient to determine the role of this variant in disease. Therefore, it has been classified as a Variant of Uncertain Significance.

Ambry Genetics
Classification: Uncertain significance for Inborn genetic diseases. Last evaluated: 2023-05-28. Review status: criteria provided, single submitter. Criteria: Ambry Variant Classification Scheme 2023. Collection method: clinical testing. Allele origin: germline.